The following is an entry in ClinVar:

NM_004183.4(BEST1):c.689T>C (p.Ile230Thr)

Gene: BEST1 (bestrophin 1; plus strand). Cytogenetic location: 11q12.3.
Variant type: single nucleotide variant.
Coding change: c.689T>C on transcript NM_004183.4 (MANE Select); coding-DNA position 689, T replaced by C.
Protein change: p.Ile230Thr; replaces isoleucine 230 with threonine.
Molecular consequence: missense variant. On other transcripts: non-coding transcript variant (1).
Genome position (GRCh38, 1-based): chr11:61,957,439, T>C. VCF-style: chr11-61957439-T-C. GRCh37 (hg19) VCF-style: chr11-61724911-T-C.
Other names: c.509T>C, p.Ile170Thr (NM_001139443.3, NM_001300786.2, NM_001300787.2); c.371T>C, p.Ile124Thr (NM_001363591.3); c.689T>C, p.Ile230Thr (NM_001363592.2); c.-487T>C (NM_001363593.3); short protein forms I170T, I124T, I230T.
Identifiers: ClinVar variation 2735632 (VCV002735632.3), dbSNP rs2541377654, ClinGen allele CA380838791.

ClinVar aggregate classification (germline): Pathogenic (1 of 4 stars; one submission).

Submission:

Labcorp Genetics (formerly Invitae), Labcorp
Classification: Pathogenic. Last evaluated: 2023-06-23. Review status: criteria provided, single submitter. Criteria: Invitae Variant Classification Sherloc (09022015). Collection method: clinical testing. Allele origin: germline.
Comment: Advanced modeling of protein sequence and biophysical properties (such as structural, functional, and spatial information, amino acid conservation, physicochemical variation, residue mobility, and thermodynamic stability) performed at Invitae indicates that this missense variant is expected to disrupt BEST1 protein function. For these reasons, this variant has been classified as Pathogenic. This missense change has been observed in individuals with autosomal dominant Best vitelliform macular dystrophy (PMID: 20057903; Invitae). It has also been observed to segregate with disease in related individuals. This variant is not present in population databases (gnomAD no frequency). This sequence change replaces isoleucine, which is neutral and non-polar, with threonine, which is neutral and polar, at codon 230 of the BEST1 protein (p.Ile230Thr).

Literature cited by the submitters: PubMed 20057903.